The following is an entry in ClinVar:

ClinVar aggregate classification (germline): Pathogenic (1 of 4 stars; one submission).

Submission:

Medical Genetic Center, Changzhi Maternal and Child Health Care Hospital
Classification: Pathogenic. Last evaluated: 2025-12-10. Review status: criteria provided, single submitter. Criteria: ACMG/ClinGen CNV Guidelines, 2019. Collection method: clinical testing. Allele origin: unknown.
Comment: 2A:16p11.2 recurrent region (proximal, BP4-BP5) (includes TBX6)

GRCh38/hg38 16p11.2(chr16:29555975-30178708)x3

Genes: ALDOA (aldolase, fructose-bisphosphate A; plus strand), ASPHD1 (aspartate beta-hydroxylase domain containing 1; plus strand), C16orf54 (chromosome 16 open reading frame 54; minus strand), CDIPT (CDP-diacylglycerol--inositol 3-phosphatidyltransferase; minus strand), CDIPTOSP (CDIP transferase opposite strand, pseudogene; plus strand) and 97 more. Cytogenetic location: 16p11.2.
Variant type: copy number gain.
Change: copy number 3 (three copies instead of two) of chr16:29,555,975-30,178,708 (622.7 kb, GRCh38 coordinates, 1-based), cytogenetic band 16p11.2.
Identifiers: ClinVar variation 4796219 (VCV004796219.1).